The following is an entry in ClinVar:

NM_004999.4(MYO6):c.*186A>G

Gene: MYO6 (myosin VI; plus strand). Cytogenetic location: 6q14.1.
Variant type: single nucleotide variant.
Coding change: c.*186A>G on transcript NM_004999.4 (MANE Select); 186 bases downstream of the stop codon, A replaced by G.
Molecular consequence: 3 prime UTR variant. On other transcripts: non-coding transcript variant (1).
Genome position (GRCh38, 1-based): chr6:75,915,198, A>G. VCF-style: chr6-75915198-A-G. GRCh37 (hg19) VCF-style: chr6-76624915-A-G.
Other names: c.*186A>G (NM_001300899.2, NM_001368136.1, NM_001368137.1 and 3 more transcripts).
Identifiers: ClinVar variation 908966 (VCV000908966.4), dbSNP rs571307356, ClinGen allele CA141061057.
Genomic context (GRCh38, chr6:75,915,198, plus strand): 5'-ATCACGGCTTTTGGTGAATTTGTTTAAGGTTAATTATGGTAGCAAATTTTGGACCTAAAC[A>G]TTATTTTTCTGTATCCCGCTGTAATTCCCAAAACTCTCATTATTCTCTAACTATTACACA-3'

ClinVar aggregate classification (germline): Conflicting classifications of pathogenicity. Review status: criteria provided, conflicting classifications (1 of 4 stars). 2 submissions from 1 submitter: Uncertain significance (1); Likely benign (1). Last evaluated 2018-01-12.

Conditions:
Autosomal recessive nonsyndromic hearing loss 37. Identifiers: Orphanet 90636, MedGen C1843028, MONDO:0011912, OMIM 607821.
Autosomal dominant nonsyndromic hearing loss 22. Also called: Autosomal dominant nonsyndromic deafness 22; DFNA 22. Identifiers: Orphanet 228012, MedGen C2931767, MONDO:0011660, OMIM 606346.

Allele frequency attached by ClinVar (database versions not stated): gnomAD below 0.00001 and 0.00015; TOPMed 0.00003; gnomAD exomes 0.00048; 1000 Genomes Project 30x 0.00094; 1000 Genomes Project 0.00100.
gnomAD v4.1: 244 of 635,960 alleles (0.038%); highest among the groups gnomAD compares: South Asian, 0.45%; 4 homozygotes.

Submissions (2):

Illumina Laboratory Services, Illumina
Classification: Uncertain significance for Autosomal recessive nonsyndromic hearing loss 37. Last evaluated: 2018-01-12. Review status: criteria provided, single submitter. Criteria: ICSL Variant Classification Criteria 13 December 2019. Collection method: clinical testing. Allele origin: germline.

Illumina Laboratory Services, Illumina
Classification: Likely benign for Autosomal dominant nonsyndromic hearing loss 22. Last evaluated: 2018-01-12. Review status: criteria provided, single submitter. Criteria: ICSL Variant Classification Criteria 13 December 2019. Collection method: clinical testing. Allele origin: germline.
Comment: This variant was observed in the ICSL laboratory as part of a predisposition screen in an ostensibly healthy population. It had not been previously curated by ICSL or reported in the Human Gene Mutation Database (HGMD: prior to June 1st, 2018), and was therefore a candidate for classification through an automated scoring system. Utilizing variant allele frequency, disease prevalence and penetrance estimates, and inheritance mode, an automated score was calculated to assess if this variant is too frequent to cause the disease. Based on the score and internal cut-off values, a variant classified as likely benign is not then subjected to further curation. The score for this variant resulted in a classification of likely benign for this disease.